The following is an entry in ClinVar:

NM_000487.6(ARSA):c.349G>C (p.Gly117Arg)

Gene: ARSA (arylsulfatase A; minus strand). Cytogenetic location: 22q13.33.
Variant type: single nucleotide variant.
Coding change: c.349G>C on transcript NM_000487.6 (MANE Select); coding-DNA position 349, G replaced by C.
Protein change: p.Gly117Arg; replaces glycine 117 with arginine.
Molecular consequence: missense variant.
Genome position (GRCh38, 1-based): chr22:50,627,282, C>G on the plus strand (G>C on the coding strand, the complement: ARSA is on the minus strand). VCF-style: chr22-50627282-C-G. GRCh37 (hg19) VCF-style: chr22-51065710-C-G.
Other names: c.349G>C, p.Gly117Arg (NM_001085425.3, NM_001085426.3, NM_001085427.3); c.91G>C, p.Gly31Arg (NM_001085428.3, NM_001362782.2); short protein forms G117R, G31R.
Identifiers: ClinVar variation 2842258 (VCV002842258.3), dbSNP rs2146725948, ClinGen allele CA412180947.
Genomic context (GRCh38, chr22:50,627,282, plus strand): 5'-GGAAGGCCCCCTCAGGCCCCACCCCAAGGTGCCACTTGCCGGCCATTCCTGTGAGGTAGC[C>G]TCGGGCAGCCAGGACTTCGGCCACGGTCACCTCCTCCAGGGGCAGGCCCCCCCGGGAGCT-3'
Protein context (NP_000478.3, residues 107-127): VTVAEVLAAR[Gly117Arg]YLTGMAGKWH

ClinVar aggregate classification (germline): Uncertain significance (1 of 4 stars; one submission).

Conditions:
Metachromatic leukodystrophy (MLD). Also called: Cerebral sclerosis diffuse metachromatic form; Arylsulfatase A Deficiency; ARSA DEFICIENCY; CEREBROSIDE SULFATASE DEFICIENCY; METACHROMATIC LEUKOENCEPHALOPATHY; SULFATIDE LIPIDOSIS. Identifiers: Orphanet 512, MedGen C0023522, MONDO:0018868, OMIM 250100.

Allele frequency attached by ClinVar (database versions not stated): gnomAD exomes below 0.00001.

Submission:

Labcorp Genetics (formerly Invitae), Labcorp
Classification: Uncertain significance for Metachromatic leukodystrophy. Last evaluated: 2023-03-14. Review status: criteria provided, single submitter. Criteria: Invitae Variant Classification Sherloc (09022015). Collection method: clinical testing. Allele origin: germline.
Comment: This sequence change replaces glycine, which is neutral and non-polar, with arginine, which is basic and polar, at codon 117 of the ARSA protein (p.Gly117Arg). This variant is not present in population databases (gnomAD no frequency). This variant has not been reported in the literature in individuals affected with ARSA-related conditions. Advanced modeling of protein sequence and biophysical properties (such as structural, functional, and spatial information, amino acid conservation, physicochemical variation, residue mobility, and thermodynamic stability) performed at Invitae indicates that this missense variant is expected to disrupt ARSA protein function. In summary, the available evidence is currently insufficient to determine the role of this variant in disease. Therefore, it has been classified as a Variant of Uncertain Significance.